The following is an entry in ClinVar:

NM_001070.5(TUBG1):c.843+2_843+5del

Gene: TUBG1 (tubulin gamma 1; plus strand). Cytogenetic location: 17q21.2.
Variant type: Deletion.
Coding change: c.843+2_843+5del on transcript NM_001070.5 (MANE Select); the canonical splice donor site of the intron after coding-DNA position 843 through 5 bases into the intron after coding-DNA position 843, 4 bases deleted (TAAG; older notation c.843+2_843+5delTAAG).
Molecular consequence: splice donor variant.
Genome position (GRCh38, 1-based): chr17:42,614,000-42,614,003, TAAG deleted; deleting any 4 consecutive bases within chr17:42,613,998-42,614,003 gives the same sequence; the c. name uses the placement nearest the transcript's 3' end. VCF-style (leftmost placement, unchanged base first): chr17-42613997-CAGTA-C. GRCh37 (hg19) VCF-style: chr17-40766015-CAGTA-C.
Identifiers: ClinVar variation 3376145 (VCV003376145.3).

ClinVar aggregate classification (germline): Likely pathogenic (1 of 4 stars; one submission).

Conditions:
Complex cortical dysplasia with other brain malformations 4. Identifiers: MedGen C3809420, MONDO:0014171, OMIM 615412.

Submission:

Institute of Human Genetics, University of Leipzig Medical Center
Classification: Likely pathogenic for Complex cortical dysplasia with other brain malformations 4. Last evaluated: 2024-10-28. Review status: criteria provided, single submitter. Criteria: ACMG Guidelines, 2015. Collection method: clinical testing. Allele origin: unknown. Inheritance: Autosomal dominant inheritance. Affected: yes.
Comment: Criteria applied: PVS1_STR,PM2